The following is an entry in ClinVar:

ClinVar aggregate classification (germline): Likely pathogenic (1 of 4 stars; one submission).

Submission:

Labcorp Genetics (formerly Invitae), Labcorp
Classification: Likely pathogenic. Last evaluated: 2024-04-16. Review status: criteria provided, single submitter. Criteria: Invitae Variant Classification Sherloc (09022015). Collection method: clinical testing. Allele origin: germline.
Comment: This sequence change affects an acceptor splice site in intron 45 of the POLE gene. It is expected to disrupt RNA splicing. Variants that disrupt the donor or acceptor splice site typically lead to a loss of protein function (PMID: 16199547), and loss-of-function variants in POLE are known to be pathogenic (PMID: 23230001, 25948378, 30503519). This variant is not present in population databases (gnomAD no frequency). This variant has not been reported in the literature in individuals affected with POLE-related conditions. ClinVar contains an entry for this variant (Variation ID: 1426472). Algorithms developed to predict the effect of sequence changes on RNA splicing suggest that this variant may disrupt the consensus splice site. In summary, the currently available evidence indicates that the variant is pathogenic, but additional data are needed to prove that conclusively. Therefore, this variant has been classified as Likely Pathogenic.

Literature cited by the submitters: PubMed 16199547; PubMed 23230001; PubMed 25948378; PubMed 30503519.

NM_006231.4(POLE):c.6331-2A>G

Gene: POLE (DNA polymerase epsilon, catalytic subunit; minus strand). Cytogenetic location: 12q24.33.
Variant type: single nucleotide variant.
Coding change: c.6331-2A>G on transcript NM_006231.4 (MANE Select); the canonical splice acceptor site of the intron before coding-DNA position 6331, A replaced by G.
Molecular consequence: splice acceptor variant.
Genome position (GRCh38, 1-based): chr12:132,626,319, T>C on the plus strand (A>G on the coding strand, the complement: POLE is on the minus strand). VCF-style: chr12-132626319-T-C. GRCh37 (hg19) VCF-style: chr12-133202905-T-C.
Identifiers: ClinVar variation 1426472 (VCV001426472.8), dbSNP rs915158165, ClinGen allele CA246286915.